The following is an entry in ClinVar:

NM_020921.4(NIN):c.2609C>T (p.Ala870Val)

Gene: NIN (ninein; minus strand). Cytogenetic location: 14q22.1.
Variant type: single nucleotide variant.
Coding change: c.2609C>T on transcript NM_020921.4 (MANE Select); coding-DNA position 2609, C replaced by T.
Protein change: p.Ala870Val; replaces alanine 870 with valine.
Molecular consequence: missense variant. On other transcripts: intron variant (1).
Genome position (GRCh38, 1-based): chr14:50,758,421, G>A on the plus strand (C>T on the coding strand, the complement: NIN is on the minus strand). VCF-style: chr14-50758421-G-A. GRCh37 (hg19) VCF-style: chr14-51225139-G-A.
Other names: c.2609C>T (NM_020921.3); c.2609C>T, p.Ala870Val (NM_182944.3, NM_182946.2); c.2399+1436C>T (NM_016350.5); short protein forms A870V.
Identifiers: ClinVar variation 2178476 (VCV002178476.7), dbSNP rs200849338, ClinGen allele CA7181903.

ClinVar aggregate classification (germline): Uncertain significance. Review status: criteria provided, multiple submitters, no conflicts (2 of 4 stars). 2 submissions from 2 submitters: Uncertain significance (2). Last evaluated 2025-12-26.

Allele frequency attached by ClinVar (database versions not stated): TOPMed 0.00005; ESP Exome Variant Server 0.00008; ExAC 0.00013; gnomAD 0.00013; 1000 Genomes Project 30x 0.00016; 1000 Genomes Project 0.00020.
gnomAD v4.1: 210 of 1,613,924 alleles (0.013%); highest among the groups gnomAD compares: Non-Finnish European, 0.014%; no homozygotes.

Submissions (2):

Labcorp Genetics (formerly Invitae), Labcorp
Classification: Uncertain significance. Last evaluated: 2025-12-26. Review status: criteria provided, single submitter. Criteria: Invitae Variant Classification Sherloc (09022015). Collection method: clinical testing. Allele origin: germline.
Comment: This sequence change replaces alanine, which is neutral and non-polar, with valine, which is neutral and non-polar, at codon 870 of the NIN protein (p.Ala870Val). This variant is present in population databases (rs200849338, gnomAD 0.07%), and has an allele count higher than expected for a pathogenic variant. This variant has not been reported in the literature in individuals affected with NIN-related conditions. ClinVar contains an entry for this variant (Variation ID: 2178476). An algorithm developed to predict the effect of missense changes on protein structure and function (PolyPhen-2) suggests that this variant is likely to be disruptive. In summary, the available evidence is currently insufficient to determine the role of this variant in disease. Therefore, it has been classified as a Variant of Uncertain Significance.

Ambry Genetics
Classification: Uncertain significance. Last evaluated: 2025-03-20. Review status: criteria provided, single submitter. Criteria: Ambry Variant Classification Scheme 2023. Collection method: clinical testing. Allele origin: germline.